The following is an entry in ClinVar:

NM_172107.4(KCNQ2):c.*4G>A

Gene: KCNQ2 (potassium voltage-gated channel subfamily Q member 2; minus strand). Cytogenetic location: 20q13.33.
Variant type: single nucleotide variant.
Coding change: c.*4G>A on transcript NM_172107.4 (MANE Select); 4 bases downstream of the stop codon, G replaced by A.
Molecular consequence: 3 prime UTR variant.
Genome position (GRCh38, 1-based): chr20:63,406,640, C>T on the plus strand (G>A on the coding strand, the complement: KCNQ2 is on the minus strand). VCF-style: chr20-63406640-C-T. GRCh37 (hg19) VCF-style: chr20-62037993-C-T.
Other names: c.*4G>A (NM_172107.3, NM_004518.6, NM_172106.3 and 1 more transcripts).
Identifiers: ClinVar variation 167205 (VCV000167205.41), dbSNP rs1801508, ClinGen allele CA234144.

ClinVar aggregate classification (germline): Benign/Likely benign. Review status: criteria provided, multiple submitters, no conflicts (2 of 4 stars). 6 submissions from 6 submitters: Benign (2); Likely benign (3). 1 of the submissions does not count toward it. Last evaluated 2026-06-01.

Conditions:
Inborn genetic diseases. Identifiers: MedGen C0950123, MeSH D030342.
KCNQ2-Related Disorders. Also called: KCNQ2-related disorder; KCNQ2-related condition. Identifiers: MedGen CN169299.

Allele frequency attached by ClinVar (database versions not stated): 1000 Genomes Project 30x 0.00047; ESP Exome Variant Server 0.00143; gnomAD 0.00206 and 0.00207; TOPMed 0.00222; gnomAD exomes 0.00225 and 0.00267; ExAC 0.00349.
gnomAD v4.1: 4,100 of 1,587,226 alleles (0.26%); highest among the groups gnomAD compares: Non-Finnish European, 0.31%; 5 homozygotes.

Submissions (6):

CeGaT Center for Human Genetics Tuebingen
Classification: Likely benign. Last evaluated: 2026-06-01. Review status: criteria provided, single submitter. Criteria: CeGaT Center For Human Genetics Tuebingen Variant Classification Criteria Version 2. Collection method: clinical testing. Allele origin: germline. Affected: yes. Observed: 33 variant alleles.
Comment: KCNQ2: BS1

Blueprint Genetics
Classification: Likely benign. Last evaluated: 2024-11-25. Review status: criteria provided, single submitter. Criteria: ACMG Guidelines, 2015. Collection method: clinical testing. Allele origin: germline.

Ambry Genetics
Classification: Likely benign for Inborn genetic diseases. Last evaluated: 2016-10-25. Review status: criteria provided, single submitter. Criteria: Ambry Variant Classification Scheme 2023. Collection method: clinical testing. Allele origin: germline.

Eurofins Ntd Llc (ga)
Classification: Benign. Last evaluated: 2016-01-07. Review status: criteria provided, single submitter. Criteria: EGL Classification Definitions 2015. Collection method: clinical testing. Allele origin: germline. Observed: 2 variant alleles, 2 heterozygotes.

GeneDx
Classification: Benign. Last evaluated: 2013-07-31. Review status: criteria provided, single submitter. Criteria: GeneDx Variant Classification (06012015). Collection method: clinical testing. Allele origin: germline. Affected: yes.
Comment: This variant is considered likely benign or benign based on one or more of the following criteria: it is a conservative change, it occurs at a poorly conserved position in the protein, it is predicted to be benign by multiple in silico algorithms, and/or has population frequency not consistent with disease.

PreventionGenetics, part of Exact Sciences
Classification: Likely benign for KCNQ2-related condition. Last evaluated: 2019-07-29. Review status: no assertion criteria provided. Collection method: clinical testing. Allele origin: germline. Not counted in ClinVar's aggregate classification.
Comment: This variant is classified as likely benign based on ACMG/AMP sequence variant interpretation guidelines (Richards et al. 2015 PMID: 25741868, with internal and published modifications).